The following is an entry in ClinVar:

NM_032040.5(CCDC8):c.1549A>G (p.Asn517Asp)

Gene: CCDC8 (coiled-coil domain containing 8 subunit of 3M complex; minus strand). Cytogenetic location: 19q13.32.
Variant type: single nucleotide variant.
Coding change: c.1549A>G on transcript NM_032040.5 (MANE Select); coding-DNA position 1549, A replaced by G.
Protein change: p.Asn517Asp; replaces asparagine 517 with aspartic acid.
Molecular consequence: missense variant.
Genome position (GRCh38, 1-based): chr19:46,411,262, T>C on the plus strand (A>G on the coding strand, the complement: CCDC8 is on the minus strand). VCF-style: chr19-46411262-T-C. GRCh37 (hg19) VCF-style: chr19-46914519-T-C.
Other names: short protein forms N517D.
Identifiers: ClinVar variation 1351776 (VCV001351776.8), dbSNP rs763369493, ClinGen allele CA9528451.

ClinVar aggregate classification (germline): Uncertain significance (1 of 4 stars; one submission).

Allele frequency attached by ClinVar (database versions not stated): gnomAD exomes below 0.00001 and 0.00002; ExAC 0.00002.

Submission:

Labcorp Genetics (formerly Invitae), Labcorp
Classification: Uncertain significance. Last evaluated: 2021-05-14. Review status: criteria provided, single submitter. Criteria: Invitae Variant Classification Sherloc (09022015). Collection method: clinical testing. Allele origin: germline.
Comment: In summary, the available evidence is currently insufficient to determine the role of this variant in disease. Therefore, it has been classified as a Variant of Uncertain Significance. This sequence change replaces asparagine with aspartic acid at codon 517 of the CCDC8 protein (p.Asn517Asp). The asparagine residue is weakly conserved and there is a small physicochemical difference between asparagine and aspartic acid. This variant is present in population databases (rs763369493, ExAC 0.003%). This variant has not been reported in the literature in individuals with CCDC8-related conditions. Algorithms developed to predict the effect of missense changes on protein structure and function are either unavailable or do not agree on the potential impact of this missense change (SIFT: "Tolerated"; PolyPhen-2: "Not Available"; Align-GVGD: "Class C0").